The following is an entry in ClinVar:

NM_003072.5(SMARCA4):c.1419+4C>A

Gene: SMARCA4 (SWI/SNF related BAF chromatin remodeling complex subunit ATPase 4; plus strand). Cytogenetic location: 19p13.2.
Variant type: single nucleotide variant.
Coding change: c.1419+4C>A on transcript NM_003072.5 (MANE Select); 4 bases into the intron after coding-DNA position 1419, C replaced by A.
Molecular consequence: intron variant.
Genome position (GRCh38, 1-based): chr19:10,991,327, C>A. VCF-style: chr19-10991327-C-A. GRCh37 (hg19) VCF-style: chr19-11102003-C-A.
Other names: c.1419+4C>A (NM_001128844.3, NM_001128849.3, NM_001128847.4 and 6 more transcripts).
Identifiers: ClinVar variation 5042107 (VCV005042107.1).

ClinVar aggregate classification (germline): Likely benign (1 of 4 stars; one submission).

Conditions:
Rhabdoid tumor predisposition syndrome 2 (RTPS2). Identifiers: Orphanet 231108, Orphanet 69077, MedGen C2750074, MONDO:0013224, OMIM 613325.

Submission:

Myriad Genetics, Inc.
Classification: Likely benign for Rhabdoid tumor predisposition syndrome 2. Last evaluated: 2026-07-06. Review status: criteria provided, single submitter. Criteria: Myriad Autosomal Dominant, Autosomal Recessive and X-Linked Classification Criteria (2023). Collection method: clinical testing. Allele origin: unknown.
Comment: This variant is considered likely benign. This variant is intronic and is not expected to impact mRNA splicing.